The following is an entry in ClinVar:

ClinVar aggregate classification (germline): Uncertain significance. Review status: criteria provided, multiple submitters, no conflicts (2 of 4 stars). 4 submissions from 4 submitters: Uncertain significance (3). 1 of the submissions does not count toward it. Last evaluated 2024-09-11.

Conditions:
Cystic fibrosis (CF). Also called: MUCOVISCIDOSIS. Identifiers: Orphanet 586, MedGen C0010674, MONDO:0009061, OMIM 219700. Disease mechanism: loss of function.

Allele frequency attached by ClinVar (database versions not stated): ESP Exome Variant Server 0.00008.
gnomAD v4.1: 41 of 1,613,956 alleles (0.0025%); highest among the groups gnomAD compares: Non-Finnish European, 0.0034%; no homozygotes.

Submissions (4):

Women's Health and Genetics/Laboratory Corporation of America, LabCorp
Classification: Uncertain significance. Last evaluated: 2024-09-11. Review status: criteria provided, single submitter. Criteria: LabCorp Variant Classification Summary - May 2015. Collection method: clinical testing. Allele origin: germline.

Ambry Genetics
Classification: Uncertain significance for Cystic fibrosis. Last evaluated: 2022-11-29. Review status: criteria provided, single submitter. Criteria: Ambry Variant Classification Scheme 2023. Collection method: clinical testing. Allele origin: germline.
Comment: The p.V1475L variant (also known as c.4423G>T), located in coding exon 27 of the CFTR gene, results from a G to T substitution at nucleotide position 4423. The valine at codon 1475 is replaced by leucine, an amino acid with highly similar properties. This amino acid position is highly conserved in available vertebrate species. In addition, the in silico prediction for this alteration is inconclusive. Since supporting evidence is limited at this time, the clinical significance of this alteration remains unclear.

ARUP Laboratories, Molecular Genetics and Genomics, ARUP Laboratories
Classification: Uncertain significance. Last evaluated: 2019-01-29. Review status: criteria provided, single submitter. Criteria: ARUP Molecular Germline Variant Investigation Process. Collection method: clinical testing. Allele origin: germline.
Comment: The CFTR c.4423G>T; p.Val1475Leu variant (rs369464175), to our knowledge, is not reported in the medical literature or in gene-specific databases. This variant is observed in the general population at a low overall frequency of 0.001% (3/245708 alleles) in the Genome Aggregation Database. The valine at codon 1475 is moderately conserved but computational algorithms (SIFT, PolyPhen2) predict this variant to be tolerated. Given the lack of clinical and functional data, the significance of the p.Val1475Leu variant is uncertain at this time.

Natera, Inc.
Classification: Uncertain significance for Cystic Fibrosis. Last evaluated: 2018-09-16. Review status: no assertion criteria provided. Collection method: clinical testing. Allele origin: germline. Not counted in ClinVar's aggregate classification.

NM_000492.4(CFTR):c.4423G>T (p.Val1475Leu)

Genes: CFTR (CF transmembrane conductance regulator; plus strand), LOC111674477 (CFTR intron 23 enhancer; plus strand). Cytogenetic location: 7q31.2.
Variant type: single nucleotide variant.
Coding change: c.4423G>T on transcript NM_000492.4 (MANE Select); coding-DNA position 4423, G replaced by T.
Protein change: p.Val1475Leu; replaces valine 1475 with leucine.
Molecular consequence: missense variant.
Genome position (GRCh38, 1-based): chr7:117,667,088, G>T. VCF-style: chr7-117667088-G-T. GRCh37 (hg19) VCF-style: chr7-117307142-G-T.
Other names: short protein forms V1475L.
Identifiers: ClinVar variation 618561 (VCV000618561.13), dbSNP rs369464175, ClinGen allele CA4451705.